The following is an entry in ClinVar:

NM_182760.4(SUMF1):c.668del (p.Lys223fs)

Gene: SUMF1 (sulfatase modifying factor 1; minus strand). Cytogenetic location: 3p26.1.
Variant type: Deletion.
Coding change: c.668del on transcript NM_182760.4 (MANE Select); coding-DNA position 668, one base deleted (A; older notation c.668delA).
Protein change: p.Lys223fs; shifts the reading frame from lysine 223.
Molecular consequence: frameshift variant.
Genome position (GRCh38, 1-based): chr3:4,418,067, T deleted on the plus strand (A on the coding strand, the reverse complement: SUMF1 is on the minus strand); the first of 2 consecutive T bases (chr3:4,418,067-4,418,068); deleting either gives the same sequence. VCF-style (leftmost placement, unchanged base first): chr3-4418066-CT-C. GRCh37 (hg19) VCF-style: chr3-4459750-CT-C.
Other names: c.593del, p.Lys198fs (NM_001164674.2); c.668del, p.Lys223fs (NM_001164675.2); short protein forms K198fs, K223fs.
Identifiers: ClinVar variation 1422956 (VCV001422956.6), dbSNP rs2125035405, ClinGen allele CA2573136906.
Genomic context (GRCh38, chr3:4,418,066, plus strand): 5'-ATACCTATTATGCAGGCCTCCTCGACAGCTGTATTCCCACTCAGCTTCCGTGGGCAGCCG[CT>C]TCCCTGCCCAAGTGCAGTAGGCAACCGCATCATTCCAGGACACATGGAGAACTGGATGAT-3'

ClinVar aggregate classification (germline): Pathogenic (1 of 4 stars; one submission).

Conditions:
Multiple sulfatase deficiency (MSD). Also called: Mucosulfatidosis; Multiple Sulfatase Deficiency Disease; Sulfatidosis, Juvenile, Austin Type. Identifiers: Orphanet 585, MedGen C0268263, MONDO:0010088, OMIM 272200.

Submission:

Labcorp Genetics (formerly Invitae), Labcorp
Classification: Pathogenic for Multiple sulfatase deficiency. Last evaluated: 2021-04-20. Review status: criteria provided, single submitter. Criteria: Invitae Variant Classification Sherloc (09022015). Collection method: clinical testing. Allele origin: germline.
Comment: For these reasons, this variant has been classified as Pathogenic. This variant has not been reported in the literature in individuals with SUMF1-related conditions. This variant is not present in population databases (ExAC no frequency). This sequence change creates a premature translational stop signal (p.Lys223Serfs*45) in the SUMF1 gene. It is expected to result in an absent or disrupted protein product. Loss-of-function variants in SUMF1 are known to be pathogenic (PMID: 12757705, 12757706, 25885655).

Literature cited by the submitters: PubMed 12757705; PubMed 12757706; PubMed 25885655.